The following is an entry in ClinVar:

ClinVar aggregate classification (germline): Likely benign. Review status: criteria provided, multiple submitters, no conflicts (2 of 4 stars). 3 submissions from 3 submitters: Likely benign (3). Last evaluated 2022-11-01.

Conditions:
Dyskeratosis congenita. Identifiers: Orphanet 1775, MedGen C0265965, MONDO:0015780.
Dyskeratosis congenita, autosomal dominant 2. Identifiers: MedGen C3151443, MONDO:0013521, OMIM 613989.
Idiopathic Pulmonary Fibrosis. Also called: Idiopathic fibrosing alveolitis, chronic form; idiopathic fibrosing alveolitis. Identifiers: Orphanet 2032, MedGen C1800706, MeSH D054990, MONDO:0800504.

gnomAD v4.1: 2 of 1,552,956 alleles (0.00013%); highest among the groups gnomAD compares: Non-Finnish European, 0.000087%; no homozygotes.

Submissions (3):

CeGaT Center for Human Genetics Tuebingen
Classification: Likely benign. Last evaluated: 2022-11-01. Review status: criteria provided, single submitter. Criteria: CeGaT Center For Human Genetics Tuebingen Variant Classification Criteria Version 2. Collection method: clinical testing. Allele origin: germline. Affected: yes. Observed: 1 variant allele.
Comment: TERT: BP4, BP7

Ambry Genetics
Classification: Likely benign for Dyskeratosis congenita. Last evaluated: 2022-07-04. Review status: criteria provided, single submitter. Criteria: Ambry Variant Classification Scheme 2023. Collection method: clinical testing. Allele origin: germline.

Labcorp Genetics (formerly Invitae), Labcorp
Classification: Likely benign for Dyskeratosis congenita, autosomal dominant 2; Idiopathic Pulmonary Fibrosis. Last evaluated: 2022-04-21. Review status: criteria provided, single submitter. Criteria: Invitae Variant Classification Sherloc (09022015). Collection method: clinical testing. Allele origin: germline.

NM_198253.3(TERT):c.930A>G (p.Thr310=)

Gene: TERT (telomerase reverse transcriptase; minus strand). Cytogenetic location: 5p15.33.
Variant type: single nucleotide variant.
Coding change: c.930A>G on transcript NM_198253.3 (MANE Select); coding-DNA position 930, A replaced by G.
Protein change: p.Thr310=; no amino-acid change (threonine 310 retained).
Molecular consequence: synonymous variant. On other transcripts: non-coding transcript variant (2).
Genome position (GRCh38, 1-based): chr5:1,293,956, T>C on the plus strand (A>G on the coding strand, the complement: TERT is on the minus strand). VCF-style: chr5-1293956-T-C. GRCh37 (hg19) VCF-style: chr5-1294071-T-C.
Other names: c.930A>G, p.Thr310= (NM_001193376.3, NM_003219.1).
Identifiers: ClinVar variation 1766517 (VCV001766517.31), dbSNP rs1466834683, ClinGen allele CA443240038.